The following is an entry in ClinVar:

NM_003896.4(ST3GAL5):c.863G>A (p.Arg288Gln)

Gene: ST3GAL5 (ST3 beta-galactoside alpha-2,3-sialyltransferase 5; minus strand). Cytogenetic location: 2p11.2.
Variant type: single nucleotide variant.
Coding change: c.863G>A on transcript NM_003896.4 (MANE Select); coding-DNA position 863, G replaced by A.
Protein change: p.Arg288Gln; replaces arginine 288 with glutamine.
Molecular consequence: missense variant. On other transcripts: intron variant (1).
Genome position (GRCh38, 1-based): chr2:85,844,541, C>T on the plus strand (G>A on the coding strand, the complement: ST3GAL5 is on the minus strand). VCF-style: chr2-85844541-C-T. GRCh37 (hg19) VCF-style: chr2-86071664-C-T.
Other names: c.794G>A, p.Arg265Gln (NM_001042437.2); c.479G>A, p.Arg160Gln (NM_001354223.2, NM_001354224.2, NM_001354226.2 and 3 more transcripts); c.779G>A, p.Arg260Gln (NM_001354227.2, NM_001354229.2, NM_001354238.1); c.140G>A, p.Arg47Gln (NM_001354247.1); c.849+1836G>A (NM_001363847.1); short protein forms R160Q, R260Q, R265Q, R47Q, R288Q.
Identifiers: ClinVar variation 661393 (VCV000661393.6), dbSNP rs761548748, ClinGen allele CA1744955.

ClinVar aggregate classification (germline): Uncertain significance (1 of 4 stars; one submission).

Conditions:
GM3 synthase deficiency (SPDRS). Also called: SALT AND PEPPER MENTAL RETARDATION SYNDROME; AMISH INFANTILE EPILEPSY SYNDROME; SALT AND PEPPER DEVELOPMENTAL REGRESSION SYNDROME. Identifiers: Orphanet 171714, Orphanet 370933, MedGen C1836824, MONDO:0018274, OMIM 609056.

Allele frequency attached by ClinVar (database versions not stated): ExAC 0.00001; gnomAD 0.00001; gnomAD exomes 0.00001 and 0.00002; TOPMed 0.00001.
gnomAD v4.1: 35 of 1,613,910 alleles (0.0022%); highest among the groups gnomAD compares: South Asian, 0.0044%; no homozygotes.

Submission:

Labcorp Genetics (formerly Invitae), Labcorp
Classification: Uncertain significance for GM3 synthase deficiency. Last evaluated: 2022-01-14. Review status: criteria provided, single submitter. Criteria: Invitae Variant Classification Sherloc (09022015). Collection method: clinical testing. Allele origin: germline.
Comment: This sequence change replaces arginine, which is basic and polar, with glutamine, which is neutral and polar, at codon 288 of the ST3GAL5 protein (p.Arg288Gln). This variant is present in population databases (rs761548748, gnomAD 0.007%). This variant has not been reported in the literature in individuals affected with ST3GAL5-related conditions. ClinVar contains an entry for this variant (Variation ID: 661393). Algorithms developed to predict the effect of missense changes on protein structure and function output the following: SIFT: "Deleterious"; PolyPhen-2: "Benign"; Align-GVGD: "Class C35". The glutamine amino acid residue is found in multiple mammalian species, which suggests that this missense change does not adversely affect protein function. In summary, the available evidence is currently insufficient to determine the role of this variant in disease. Therefore, it has been classified as a Variant of Uncertain Significance.